The following is an entry in ClinVar:

NM_002497.4(NEK2):c.746C>T (p.Thr249Met)

Gene: NEK2 (NIMA related kinase 2; minus strand). Cytogenetic location: 1q32.3.
Variant type: single nucleotide variant.
Coding change: c.746C>T on transcript NM_002497.4 (MANE Select); coding-DNA position 746, C replaced by T.
Protein change: p.Thr249Met; replaces threonine 249 with methionine.
Molecular consequence: missense variant.
Genome position (GRCh38, 1-based): chr1:211,670,300, G>A on the plus strand (C>T on the coding strand, the complement: NEK2 is on the minus strand). VCF-style: chr1-211670300-G-A. GRCh37 (hg19) VCF-style: chr1-211843642-G-A.
Other names: c.746C>T, p.Thr249Met (NM_001204182.2, NM_001204183.2); short protein forms T249M.
Identifiers: ClinVar variation 4753971 (VCV004753971.2).

ClinVar aggregate classification (germline): Uncertain significance. Review status: criteria provided, multiple submitters, no conflicts (2 of 4 stars). 2 submissions from 2 submitters: Uncertain significance (2). Last evaluated 2025-02-01.

gnomAD v4.1: 19 of 1,609,380 alleles (0.0012%); highest among the groups gnomAD compares: African/African-American, 0.0054%; no homozygotes.

Submissions (2):

Labcorp Genetics (formerly Invitae), Labcorp
Classification: Uncertain significance. Last evaluated: 2025-02-01. Review status: criteria provided, single submitter. Criteria: Invitae Variant Classification Sherloc (09022015). Collection method: clinical testing. Allele origin: germline.
Comment: This sequence change replaces threonine, which is neutral and polar, with methionine, which is neutral and non-polar, at codon 249 of the NEK2 protein (p.Thr249Met). This variant is present in population databases (rs776935855, gnomAD 0.004%). This variant has not been reported in the literature in individuals affected with NEK2-related conditions. An algorithm developed to predict the effect of missense changes on protein structure and function (PolyPhen-2) suggests that this variant is likely to be disruptive. In summary, the available evidence is currently insufficient to determine the role of this variant in disease. Therefore, it has been classified as a Variant of Uncertain Significance.

Blueprint Genetics
Classification: Uncertain significance. Last evaluated: 2022-08-17. Review status: criteria provided, single submitter. Criteria: ACMG Guidelines, 2015. Collection method: clinical testing. Allele origin: germline.